The following is an entry in ClinVar:

NM_002529.4(NTRK1):c.1887_1888delinsTA (p.Val630Met)

Gene: NTRK1 (neurotrophic receptor tyrosine kinase 1; plus strand). Cytogenetic location: 1q23.1.
Variant type: Indel.
Coding change: c.1887_1888delinsTA on transcript NM_002529.4 (MANE Select); coding-DNA positions 1887 to 1888, CG replaced by TA.
Protein change: p.Val630Met; replaces valine 630 with methionine.
Molecular consequence: missense variant.
Genome position (GRCh38, 1-based): chr1:156,879,203-156,879,204, CG replaced by TA. VCF-style: chr1-156879203-CG-TA. GRCh37 (hg19) VCF-style: chr1-156848995-CG-TA.
Other names: c.1779_1780delinsTA, p.Val594Met (NM_001007792.1); c.1869_1870delinsTA, p.Val624Met (NM_001012331.2); short protein forms V594M, V630M, V624M.
Identifiers: ClinVar variation 1433090 (VCV001433090.5), dbSNP rs2102924476, ClinGen allele CA2573131109.

ClinVar aggregate classification (germline): Uncertain significance (1 of 4 stars; one submission).

Conditions:
Hereditary insensitivity to pain with anhidrosis (CIPA). Also called: HSAN Type IV; NEUROPATHY, CONGENITAL SENSORY, WITH ANHIDROSIS; NTRK1 Congenital Insensitivity to Pain with Anhidrosis; INSENSITIVITY TO PAIN, CONGENITAL, WITH ANHIDROSIS; hereditary sensory and autonomic neuropathy type 4; FAMILIAL DYSAUTONOMIA, TYPE II. Identifiers: Orphanet 642, MedGen C0020074, MONDO:0009746, OMIM 256800.

Submission:

Labcorp Genetics (formerly Invitae), Labcorp
Classification: Uncertain significance for Hereditary insensitivity to pain with anhidrosis. Last evaluated: 2021-09-17. Review status: criteria provided, single submitter. Criteria: Invitae Variant Classification Sherloc (09022015). Collection method: clinical testing. Allele origin: germline.
Comment: This sequence change replaces valine with methionine at codon 624 of the NTRK1 protein (p.Val624Met). The valine residue is highly conserved and there is a small physicochemical difference between valine and methionine. The frequency data for this variant in the population databases is not available, as this variant may be reported as separate entries in the ExAC database. This variant has not been reported in the literature in individuals affected with NTRK1-related conditions. Experimental studies and prediction algorithms are not available or were not evaluated, and the functional significance of this variant is currently unknown. In summary, the available evidence is currently insufficient to determine the role of this variant in disease. Therefore, it has been classified as a Variant of Uncertain Significance.